The following is an entry in ClinVar:

ClinVar aggregate classification (germline): Uncertain significance (1 of 4 stars; one submission).

Submission:

Labcorp Genetics (formerly Invitae), Labcorp
Classification: Uncertain significance. Last evaluated: 2024-03-27. Review status: criteria provided, single submitter. Criteria: Invitae Variant Classification Sherloc (09022015). Collection method: clinical testing. Allele origin: germline.
Comment: This sequence change replaces arginine, which is basic and polar, with proline, which is neutral and non-polar, at codon 47 of the KL protein (p.Arg47Pro). This variant is not present in population databases (gnomAD no frequency). This variant has not been reported in the literature in individuals affected with KL-related conditions. Advanced modeling of protein sequence and biophysical properties (such as structural, functional, and spatial information, amino acid conservation, physicochemical variation, residue mobility, and thermodynamic stability) performed at Invitae indicates that this missense variant is not expected to disrupt KL protein function with a negative predictive value of 80%. In summary, the available evidence is currently insufficient to determine the role of this variant in disease. Therefore, it has been classified as a Variant of Uncertain Significance.

NM_004795.4(KL):c.140G>C (p.Arg47Pro)

Gene: KL (klotho; plus strand). Cytogenetic location: 13q13.1.
Variant type: single nucleotide variant.
Coding change: c.140G>C on transcript NM_004795.4 (MANE Select); coding-DNA position 140, G replaced by C.
Protein change: p.Arg47Pro; replaces arginine 47 with proline.
Molecular consequence: missense variant.
Genome position (GRCh38, 1-based): chr13:33,016,580, G>C. VCF-style: chr13-33016580-G-C. GRCh37 (hg19) VCF-style: chr13-33590718-G-C.
Other names: short protein forms R47P.
Identifiers: ClinVar variation 3701880 (VCV003701880.2).